The following is an entry in ClinVar:

NM_000057.4(BLM):c.3397A>G (p.Lys1133Glu)

Gene: BLM (BLM RecQ like helicase; plus strand). Cytogenetic location: 15q26.1.
Variant type: single nucleotide variant.
Coding change: c.3397A>G on transcript NM_000057.4 (MANE Select); coding-DNA position 3397, A replaced by G.
Protein change: p.Lys1133Glu; replaces lysine 1133 with glutamic acid.
Molecular consequence: missense variant. On other transcripts: intron variant (1).
Genome position (GRCh38, 1-based): chr15:90,803,559, A>G. VCF-style: chr15-90803559-A-G. GRCh37 (hg19) VCF-style: chr15-91346789-A-G.
Other names: p.K1133E:AAA>GAA; c.3397A>G, p.Lys1133Glu (NM_001287246.2); c.2272A>G, p.Lys758Glu (NM_001287248.2); c.3358+5222A>G (NM_001287247.2); c.3397A>G (LRG_20t1); short protein forms K1133E, K758E.
Identifiers: ClinVar variation 127498 (VCV000127498.16), dbSNP rs145027663, ClinGen allele CA287097.
Genomic context (GRCh38, chr15:90,803,559, plus strand): 5'-ACTTCCTGTATCTTCTTATCAGGGAGTAAGAGTGCAAAAATCCAGTCAGGTATATTTGGA[A>G]AAGGATCTGCTTATTCACGACACAATGCCGAAAGACTTTTTAAAAAGCTGATACTTGACA-3'
Protein context (NP_000048.1, residues 1123-1143): SAKIQSGIFG[Lys1133Glu]GSAYSRHNAE

ClinVar aggregate classification (germline): Conflicting classifications of pathogenicity. Review status: criteria provided, conflicting classifications (1 of 4 stars). 5 submissions from 5 submitters: Uncertain significance (3); Likely benign (1). 1 of the submissions does not count toward it. Last evaluated 2026-01-06.

Conditions:
BLM-related disorder. Also called: BLM-related condition.
Hereditary cancer-predisposing syndrome. Also called: Hereditary Cancer Syndrome; Hereditary neoplastic syndrome; Tumor predisposition; Neoplastic Syndromes, Hereditary. Identifiers: Orphanet 140162, MedGen C0027672, MeSH D009386, MONDO:0015356.
Bloom syndrome (BLM). Also called: Bloom-Torre-Machacek syndrome. Identifiers: Orphanet 125, MedGen C0005859, MONDO:0008876, OMIM 210900.

Allele frequency attached by ClinVar (database versions not stated): gnomAD exomes 0.00001 and 0.00003; ExAC 0.00004; gnomAD 0.00015 and 0.00016; TOPMed 0.00016; ESP Exome Variant Server 0.00038.
gnomAD v4.1: 34 of 1,613,800 alleles (0.0021%); highest among the groups gnomAD compares: African/African-American, 0.045%; no homozygotes.

Submissions (5):

Labcorp Genetics (formerly Invitae), Labcorp
Classification: Uncertain significance for Bloom syndrome. Last evaluated: 2026-01-06. Review status: criteria provided, single submitter. Criteria: Invitae Variant Classification Sherloc (09022015). Collection method: clinical testing. Allele origin: germline.
Comment: This sequence change replaces lysine, which is basic and polar, with glutamic acid, which is acidic and polar, at codon 1133 of the BLM protein (p.Lys1133Glu). This variant is present in population databases (rs145027663, gnomAD 0.04%). This variant has not been reported in the literature in individuals affected with BLM-related conditions. ClinVar contains an entry for this variant (Variation ID: 127498). Invitae Evidence Modeling of protein sequence and biophysical properties (such as structural, functional, and spatial information, amino acid conservation, physicochemical variation, residue mobility, and thermodynamic stability) indicates that this missense variant is not expected to disrupt BLM protein function with a negative predictive value of 80%. Experimental studies have shown that this missense change does not substantially affect BLM function (PMID: 23129629). In summary, the available evidence is currently insufficient to determine the role of this variant in disease. Therefore, it has been classified as a Variant of Uncertain Significance.

Sema4
Classification: Uncertain significance for Hereditary cancer-predisposing syndrome. Last evaluated: 2022-02-18. Review status: criteria provided, single submitter. Criteria: Sema4 Curation Guidelines. Collection method: curation. Allele origin: germline.
Comment: To the best of our knowledge, the BLM c.3397A>G (p.K1133E) variant has not been reported in individuals with BLM-related disease. It was observed in 12/24950 chromosomes of the African/African American subpopulation in the large and broad cohorts of the Genome Aggregation Database (PMID: 32461654). The variant has been reported in ClinVar (Variation ID 127498). A functional study in yeast found this variant to be similar to wildtype in regards to its sensitivity to DNA-damaging agents (PMID: 23129629). In silico predictions of the variant's effect on protein function are inconclusive. The evidence is insufficient to meet ACMG/AMP criteria for classifying the variant as benign or pathogenic. Thus, the clinical significance of this variant is currently uncertain.

Ambry Genetics
Classification: Likely benign for Hereditary cancer-predisposing syndrome. Last evaluated: 2019-02-16. Review status: criteria provided, single submitter. Criteria: Ambry Variant Classification Scheme 2023. Collection method: clinical testing. Allele origin: germline.

GeneDx
Classification: Uncertain significance. Last evaluated: 2014-02-25. Review status: criteria provided, single submitter. Criteria: GeneDx Variant Classification (06012015). Collection method: clinical testing. Allele origin: germline. Affected: yes.
Comment: Single pathogenic variants in BLM have only recently been described in association with cancer predisposition and the risks are not well understood. This variant is denoted BLM c.3397A>G at the cDNA level, p.Lys1133Glu (K1133E) at the protein level, and results in the change of a Lysine to a Glutamic Acid (AAA>GAA). This variant has not, to our knowledge, been published in the literature as pathogenic or benign. BLM Lys1133Glu was observed with an allele frequency of 0.1% (5/4396) in African Americans in the NHLBI Exome Sequencing Project, not frequent enough to be considered a polymorphism. Since Lysine and Glutamic Acid differ in polarity, charge, size or other properties, this is considered a non-conservative amino acid substitution and is likely to affect protein integrity. BLM Lys1133Glu occurs at a position that is moderately conserved across species and is not located in a known functional domain. In silico analyses are inconsistent regarding the effect this variant may have on protein structure and function. At a molecular level, the impact of this missense variant on protein structure and function is not known and thus we consider this to be a variant of uncertain significance. Furthermore, based on the currently available information, cancer risks associated with this variant, and with single variants the BLM gene in general, remain unclear.

PreventionGenetics, part of Exact Sciences
Classification: Uncertain significance for BLM-related condition. Last evaluated: 2024-06-21. Review status: no assertion criteria provided. Collection method: clinical testing. Allele origin: germline. Not counted in ClinVar's aggregate classification.
Comment: The BLM c.3397A>G variant is predicted to result in the amino acid substitution p.Lys1133Glu. To our knowledge, this variant has not been reported in association with disorders in the literature. Functional studies showed that this variant does not significantly affect protein function in response to DNA-damaging agents (Table 1, Mirzaei et al. 2012. PubMed ID: 23129629). This variant is reported in 0.048% of alleles in individuals of African descent in gnomAD and has conflicting interpretations of pathogenicity in ClinVar ranging from likely benign to uncertain. At this time, the clinical significance of this variant is uncertain due to the absence of conclusive functional and genetic evidence.

Literature cited by the submitters: PubMed 23129629 (cited by 3 submitters).